The following is an entry in ClinVar:

ClinVar aggregate classification (germline): Uncertain significance (1 of 4 stars; one submission).

Submission:

GeneDx
Classification: Uncertain significance. Last evaluated: 2023-02-14. Review status: criteria provided, single submitter. Criteria: GeneDx Variant Classification Process June 2021. Collection method: clinical testing. Allele origin: germline. Affected: yes.
Comment: Not observed at significant frequency in large population cohorts (gnomAD); In silico analysis supports that this missense variant has a deleterious effect on protein structure/function; Has not been previously published as pathogenic or benign to our knowledge

NM_017780.4(CHD7):c.4577A>G (p.Asp1526Gly)

Gene: CHD7 (chromodomain helicase DNA binding protein 7; plus strand). Cytogenetic location: 8q12.2.
Variant type: single nucleotide variant.
Coding change: c.4577A>G on transcript NM_017780.4 (MANE Select); coding-DNA position 4577, A replaced by G.
Protein change: p.Asp1526Gly; replaces aspartic acid 1526 with glycine.
Molecular consequence: missense variant. On other transcripts: intron variant (1).
Genome position (GRCh38, 1-based): chr8:60,841,687, A>G. VCF-style: chr8-60841687-A-G. GRCh37 (hg19) VCF-style: chr8-61754246-A-G.
Other names: c.1717-20542A>G (NM_001316690.1); short protein forms D1526G.
Identifiers: ClinVar variation 2575858 (VCV002575858.1), dbSNP rs2487943185, ClinGen allele CA371318610.